The following is an entry in ClinVar:

NM_024577.4(SH3TC2):c.343A>C (p.Thr115Pro)

Gene: SH3TC2 (SH3 domain and tetratricopeptide repeats 2; minus strand). Cytogenetic location: 5q32.
Variant type: single nucleotide variant.
Coding change: c.343A>C on transcript NM_024577.4 (MANE Select); coding-DNA position 343, A replaced by C.
Protein change: p.Thr115Pro; replaces threonine 115 with proline.
Molecular consequence: missense variant.
Genome position (GRCh38, 1-based): chr5:149,044,575, T>G on the plus strand (A>C on the coding strand, the complement: SH3TC2 is on the minus strand). VCF-style: chr5-149044575-T-G. GRCh37 (hg19) VCF-style: chr5-148424138-T-G.
Other names: short protein forms T115P.
Identifiers: ClinVar variation 2702829 (VCV002702829.3), dbSNP rs1261208447, ClinGen allele CA361676757.
Genomic context (GRCh38, chr5:149,044,575, plus strand): 5'-GCTTGCCTTGTACCATACCTAAATTAAGGTAGGTGGAGAACTTCCAGATTTCCTCCATGG[T>G]CTTGAAGGTGATGAGAAACTGGGCCCTCTGAGACTGGATACTGACCAACCTTGCTGAGAG-3'
Protein context (NP_078853.2, residues 105-125): QRAQFLITFK[Thr115Pro]MEEIWKFSTY

ClinVar aggregate classification (germline): Uncertain significance (1 of 4 stars; one submission).

Conditions:
Charcot-Marie-Tooth disease type 4. Also called: Charcot-Marie-Tooth, Type 4; Charcot-Marie-Tooth disease, type IV. Identifiers: Orphanet 64749, MedGen C4082197, MONDO:0018995.

Submission:

Labcorp Genetics (formerly Invitae), Labcorp
Classification: Uncertain significance for Charcot-Marie-Tooth disease type 4. Last evaluated: 2023-12-13. Review status: criteria provided, single submitter. Criteria: Invitae Variant Classification Sherloc (09022015). Collection method: clinical testing. Allele origin: germline.
Comment: This sequence change replaces threonine, which is neutral and polar, with proline, which is neutral and non-polar, at codon 115 of the SH3TC2 protein (p.Thr115Pro). This variant is not present in population databases (gnomAD no frequency). This variant has not been reported in the literature in individuals affected with SH3TC2-related conditions. Advanced modeling of protein sequence and biophysical properties (such as structural, functional, and spatial information, amino acid conservation, physicochemical variation, residue mobility, and thermodynamic stability) has been performed at Invitae for this missense variant, however the output from this modeling did not meet the statistical confidence thresholds required to predict the impact of this variant on SH3TC2 protein function. In summary, the available evidence is currently insufficient to determine the role of this variant in disease. Therefore, it has been classified as a Variant of Uncertain Significance.